The following is an entry in ClinVar:

ClinVar aggregate classification (germline): Pathogenic (1 of 4 stars; one submission).

Submission:

CeGaT Center for Human Genetics Tuebingen
Classification: Pathogenic. Last evaluated: 2023-10-01. Review status: criteria provided, single submitter. Criteria: CeGaT Center For Human Genetics Tuebingen Variant Classification Criteria Version 2. Collection method: clinical testing. Allele origin: germline. Affected: yes. Observed: 1 variant allele.
Comment: IRF2BPL: PS2, PVS1:Strong, PM2

NM_024496.4(IRF2BPL):c.291_325del (p.Gln103fs)

Genes: IRF2BPL (interferon regulatory factor 2 binding protein like; minus strand), LOC107984638 (uncharacterized LOC107984638; plus strand). Cytogenetic location: 14q24.3.
Variant type: Deletion.
Coding change: c.291_325del on transcript NM_024496.4 (MANE Select); coding-DNA positions 291 to 325, 35 bases deleted.
Protein change: p.Gln103fs; shifts the reading frame from glutamine 103.
Molecular consequence: frameshift variant.
Genome position (GRCh38, 1-based): chr14:77,027,468-77,027,502, 35 bases deleted; deleting any 35 consecutive bases within chr14:77,027,468-77,027,504 gives the same sequence; the c. name uses the placement nearest the transcript's 3' end. GRCh37 (hg19): chr14:77,493,813-77,493,847.
Other names: short protein forms Q103fs.
Identifiers: ClinVar variation 2644420 (VCV002644420.24), dbSNP rs2503078947, ClinGen allele CA2695199848.